The following is an entry in ClinVar:

NM_006231.4(POLE):c.70G>A (p.Gly24Ser)

Gene: POLE (DNA polymerase epsilon, catalytic subunit; minus strand). Cytogenetic location: 12q24.33.
Variant type: single nucleotide variant.
Coding change: c.70G>A on transcript NM_006231.4 (MANE Select); coding-DNA position 70, G replaced by A.
Protein change: p.Gly24Ser; replaces glycine 24 with serine.
Molecular consequence: missense variant.
Genome position (GRCh38, 1-based): chr12:132,681,272, C>T on the plus strand (G>A on the coding strand, the complement: POLE is on the minus strand). VCF-style: chr12-132681272-C-T. GRCh37 (hg19) VCF-style: chr12-133257858-C-T.
Other names: c.70G>A (NM_006231.2); short protein forms G24S.
Identifiers: ClinVar variation 2169205 (VCV002169205.5), dbSNP rs2136034939, ClinGen allele CA387370695.

ClinVar aggregate classification (germline): Uncertain significance. Review status: criteria provided, multiple submitters, no conflicts (2 of 4 stars). 2 submissions from 2 submitters: Uncertain significance (2). Last evaluated 2026-08-30.

Conditions:
Hereditary cancer-predisposing syndrome. Also called: Tumor predisposition; Hereditary Cancer Syndrome; Hereditary neoplastic syndrome; Neoplastic Syndromes, Hereditary. Identifiers: Orphanet 140162, MedGen C0027672, MeSH D009386, MONDO:0015356.

Submissions (2):

Ambry Genetics
Classification: Uncertain significance for Hereditary cancer-predisposing syndrome. Last evaluated: 2026-08-30. Review status: criteria provided, single submitter. Criteria: Ambry Variant Classification Scheme 2023. Collection method: clinical testing. Allele origin: germline.
Comment: The p.G24S variant (also known as c.70G>A), located in coding exon 2 of the POLE gene, results from a G to A substitution at nucleotide position 70. The glycine at codon 24 is replaced by serine, an amino acid with similar properties. This amino acid position is conserved. In addition, this alteration is predicted to be tolerated by in silico analysis. Based on the available evidence, the clinical significance of this variant remains unclear.

Labcorp Genetics (formerly Invitae), Labcorp
Classification: Uncertain significance. Last evaluated: 2022-10-23. Review status: criteria provided, single submitter. Criteria: Invitae Variant Classification Sherloc (09022015). Collection method: clinical testing. Allele origin: germline.
Comment: In summary, the available evidence is currently insufficient to determine the role of this variant in disease. Therefore, it has been classified as a Variant of Uncertain Significance. Algorithms developed to predict the effect of missense changes on protein structure and function (SIFT, PolyPhen-2, Align-GVGD) all suggest that this variant is likely to be tolerated. This variant has not been reported in the literature in individuals affected with POLE-related conditions. This variant is not present in population databases (gnomAD no frequency). This sequence change replaces glycine, which is neutral and non-polar, with serine, which is neutral and polar, at codon 24 of the POLE protein (p.Gly24Ser).